The following is an entry in ClinVar:

ClinVar aggregate classification (germline): Uncertain significance (1 of 4 stars; one submission).

Conditions:
Ataxia-telangiectasia syndrome (AT). Also called: ATAXIA-TELANGIECTASIA, COMPLEMENTATION GROUP A; ATAXIA-TELANGIECTASIA, FRESNO VARIANT; LOUIS-BAR SYNDROME; Ataxia-telangiectasia; Cerebello-oculocutaneous telangiectasia; Immunodeficiency with ataxia telangiectasia. Identifiers: Orphanet 100, MedGen C0004135, MONDO:0008840, OMIM 208900.

Submission:

Labcorp Genetics (formerly Invitae), Labcorp
Classification: Uncertain significance for Ataxia-telangiectasia syndrome. Last evaluated: 2021-06-15. Review status: criteria provided, single submitter. Criteria: Invitae Variant Classification Sherloc (09022015). Collection method: clinical testing. Allele origin: germline.
Comment: This sequence change replaces serine with asparagine at codon 1490 of the ATM protein (p.Ser1490Asn). The serine residue is moderately conserved and there is a small physicochemical difference between serine and asparagine. This variant is not present in population databases (ExAC no frequency). This variant has not been reported in the literature in individuals with ATM-related conditions. Advanced modeling of protein sequence and biophysical properties (such as structural, functional, and spatial information, amino acid conservation, physicochemical variation, residue mobility, and thermodynamic stability) performed at Invitae indicates that this missense variant is not expected to disrupt ATM protein function. In summary, the available evidence is currently insufficient to determine the role of this variant in disease. Therefore, it has been classified as a Variant of Uncertain Significance.

NM_000051.4(ATM):c.4469G>A (p.Ser1490Asn)

Gene: ATM (ATM serine/threonine kinase; plus strand). Cytogenetic location: 11q22.3.
Variant type: single nucleotide variant.
Coding change: c.4469G>A on transcript NM_000051.4 (MANE Select); coding-DNA position 4469, G replaced by A.
Protein change: p.Ser1490Asn; replaces serine 1490 with asparagine.
Molecular consequence: missense variant.
Genome position (GRCh38, 1-based): chr11:108,292,651, G>A. VCF-style: chr11-108292651-G-A. GRCh37 (hg19) VCF-style: chr11-108163378-G-A.
Other names: c.4469G>A, p.Ser1490Asn (NM_001351834.2); short protein forms S1490N.
Identifiers: ClinVar variation 1473789 (VCV001473789.8), dbSNP rs2135798205, ClinGen allele CA382533113.